The following is an entry in ClinVar:

NM_004385.5(VCAN):c.643G>A (p.Val215Ile)

Gene: VCAN (versican; plus strand). Cytogenetic location: 5q14.2.
Variant type: single nucleotide variant.
Coding change: c.643G>A on transcript NM_004385.5 (MANE Select); coding-DNA position 643, G replaced by A.
Protein change: p.Val215Ile; replaces valine 215 with isoleucine.
Molecular consequence: missense variant.
Genome position (GRCh38, 1-based): chr5:83,493,826, G>A. VCF-style: chr5-83493826-G-A. GRCh37 (hg19) VCF-style: chr5-82789645-G-A.
Other names: c.643G>A, p.Val215Ile (NM_001126336.3, NM_001164097.2, NM_001164098.2); short protein forms V215I.
Identifiers: ClinVar variation 1977604 (VCV001977604.5), dbSNP rs1437055663, ClinGen allele CA360296711.

ClinVar aggregate classification (germline): Uncertain significance (1 of 4 stars; one submission).

Allele frequency attached by ClinVar (database versions not stated): gnomAD exomes below 0.00001.
gnomAD v4.1: 1 of 1,614,148 alleles (0.000062%); highest among the groups gnomAD compares: Admixed American, 0.0017%; no homozygotes.

Submission:

Labcorp Genetics (formerly Invitae), Labcorp
Classification: Uncertain significance. Last evaluated: 2022-08-05. Review status: criteria provided, single submitter. Criteria: Invitae Variant Classification Sherloc (09022015). Collection method: clinical testing. Allele origin: germline.
Comment: In summary, the available evidence is currently insufficient to determine the role of this variant in disease. Therefore, it has been classified as a Variant of Uncertain Significance. Algorithms developed to predict the effect of missense changes on protein structure and function (SIFT, PolyPhen-2, Align-GVGD) all suggest that this variant is likely to be tolerated. This variant has not been reported in the literature in individuals affected with VCAN-related conditions. This variant is present in population databases (no rsID available, gnomAD 0.003%). This sequence change replaces valine, which is neutral and non-polar, with isoleucine, which is neutral and non-polar, at codon 215 of the VCAN protein (p.Val215Ile).